The following is an entry in ClinVar:

ClinVar aggregate classification (germline): Uncertain significance. Review status: criteria provided, multiple submitters, no conflicts (2 of 4 stars). 2 submissions from 2 submitters: Uncertain significance (2). Last evaluated 2021-04-09.

Conditions:
Orofacial-digital syndrome IV (OFD4). Also called: MOHR-MAJEWSKI SYNDROME; BARAITSER-BURN SYNDROME; Orofaciodigital syndrome IV; OFD SYNDROME WITH TIBIAL DEFECTS; OFD SYNDROME, BARAITSER-BURN TYPE; OFDS IV. Identifiers: Orphanet 2753, MedGen C0406727, MONDO:0009794, OMIM 258860.
Joubert syndrome 18 (JBTS18). Identifiers: Orphanet 2754, MedGen C3553758, MONDO:0013896, OMIM 614815.

Allele frequency attached by ClinVar (database versions not stated): gnomAD exomes below 0.00001; TOPMed below 0.00001; gnomAD 0.00001.
gnomAD v4.1: 2 of 1,551,548 alleles (0.00013%); highest among the groups gnomAD compares: Non-Finnish European, 0.00017%; no homozygotes.

Submissions (2):

Labcorp Genetics (formerly Invitae), Labcorp
Classification: Uncertain significance for Joubert syndrome 18; Orofacial-digital syndrome IV. Last evaluated: 2021-04-09. Review status: criteria provided, single submitter. Criteria: Invitae Variant Classification Sherloc (09022015). Collection method: clinical testing. Allele origin: germline.
Comment: This sequence change replaces arginine with glutamine at codon 40 of the TCTN3 protein (p.Arg40Gln). The arginine residue is weakly conserved and there is a small physicochemical difference between arginine and glutamine. This variant is not present in population databases (ExAC no frequency). In summary, the available evidence is currently insufficient to determine the role of this variant in disease. Therefore, it has been classified as a Variant of Uncertain Significance. Algorithms developed to predict the effect of missense changes on protein structure and function (SIFT, PolyPhen-2, Align-GVGD) all suggest that this variant is likely to be tolerated, but these predictions have not been confirmed by published functional studies and their clinical significance is uncertain. This variant has not been reported in the literature in individuals with TCTN3-related conditions.

Blueprint Genetics
Classification: Uncertain significance. Last evaluated: 2017-07-31. Review status: criteria provided, single submitter. Criteria: ACMG Guidelines, 2015. Collection method: clinical testing. Allele origin: germline.

NM_015631.6(TCTN3):c.119G>A (p.Arg40Gln)

Genes: TCTN3 (tectonic family member 3; minus strand), LOC130004408 (ATAC-STARR-seq lymphoblastoid active region 3801; plus strand). Cytogenetic location: 10q24.1.
Variant type: single nucleotide variant.
Coding change: c.119G>A on transcript NM_015631.6 (MANE Select); coding-DNA position 119, G replaced by A.
Protein change: p.Arg40Gln; replaces arginine 40 with glutamine.
Molecular consequence: missense variant.
Genome position (GRCh38, 1-based): chr10:95,693,781, C>T on the plus strand (G>A on the coding strand, the complement: TCTN3 is on the minus strand). VCF-style: chr10-95693781-C-T. GRCh37 (hg19) VCF-style: chr10-97453538-C-T.
Other names: c.119G>A, p.Arg40Gln (NM_001143973.2); short protein forms R40Q.
Identifiers: ClinVar variation 1465279 (VCV001465279.9), dbSNP rs1314333060, ClinGen allele CA377713732.
Genomic context (GRCh38, chr10:95,693,781, plus strand): 5'-ACGGCCGGGCGAGTTGCAGTCGCCTCTGAAGGGGACTGGAGGGTTCCGCCATCCGTCCCT[C>T]GCTGCAGCTCCAAAGACGTGGGCACTGCCCCTGATGGGGAGGAAGAGGGCTGAGGCCGGA-3'
Protein context (NP_056446.4, residues 30-50): GAVPTSLELQ[Arg40Gln]GTDGGTLQSP